The following is an entry in ClinVar:

NM_024312.5(GNPTAB):c.750_751insA (p.Leu251fs)

Gene: GNPTAB (N-acetylglucosamine-1-phosphate transferase subunits alpha and beta; minus strand). Cytogenetic location: 12q23.2.
Variant type: Insertion.
Coding change: c.750_751insA on transcript NM_024312.5 (MANE Select); coding-DNA positions 750 to 751, A inserted.
Protein change: p.Leu251fs; shifts the reading frame from leucine 251.
Molecular consequence: frameshift variant.
Genome position: GRCh38 VCF-style: chr12-101780172-G-GT. GRCh37 (hg19) VCF-style: chr12-102173950-G-GT.
Other names: short protein forms L251fs.
Identifiers: ClinVar variation 981091 (VCV000981091.1), dbSNP rs1953320426, ClinGen allele CA1139662835.

ClinVar aggregate classification (germline): Likely pathogenic (1 of 4 stars; one submission).

Conditions:
Mucolipidosis. Also called: Mucolipidoses. Identifiers: Orphanet 79212, MedGen C0026697, MONDO:0019248.

Submission:

Women's Health and Genetics/Laboratory Corporation of America, LabCorp
Classification: Likely pathogenic for Mucolipidosis. Last evaluated: 2020-09-14. Review status: criteria provided, single submitter. Criteria: LabCorp Variant Classification Summary - May 2015. Collection method: clinical testing. Allele origin: germline.
Comment: Variant summary: GNPTAB c.750_751insA (p.Leu251ThrfsX4) results in a premature termination codon, predicted to cause a truncation of the encoded protein or absence of the protein due to nonsense mediated decay, which are commonly known mechanisms for disease. Truncations downstream of this position have been classified as pathogenic by our laboratory. The variant was absent in 251238 control chromosomes. c.750_751insA has been reported in the literature in at least one individual affected with Mucolipidosis (Cathey_2010). To our knowledge, no experimental evidence demonstrating an impact on protein function has been reported. No clinical diagnostic laboratories have submitted clinical-significance assessments for this variant to ClinVar after 2014. Based on the evidence outlined above, the variant was classified as likely pathogenic.

Literature cited by the submitters: PubMed 19617216.